The following is an entry in ClinVar:

ClinVar aggregate classification (germline): Pathogenic (1 of 4 stars; one submission).

Conditions:
Wilson disease (WND). Also called: Wilson's disease. Identifiers: Orphanet 905, MedGen C0019202, MONDO:0010200, OMIM 277900. Disease mechanism: loss of function.

Allele frequency attached by ClinVar (database versions not stated): gnomAD exomes below 0.00001.

Submission:

Labcorp Genetics (formerly Invitae), Labcorp
Classification: Pathogenic for Wilson disease. Last evaluated: 2023-05-26. Review status: criteria provided, single submitter. Criteria: Invitae Variant Classification Sherloc (09022015). Collection method: clinical testing. Allele origin: germline.
Comment: ClinVar contains an entry for this variant (Variation ID: 1371515). This variant has not been reported in the literature in individuals affected with ATP7B-related conditions. This variant is not present in population databases (gnomAD no frequency). This sequence change creates a premature translational stop signal (p.Gln241*) in the ATP7B gene. It is expected to result in an absent or disrupted protein product. Loss-of-function variants in ATP7B are known to be pathogenic (PMID: 10441329, 16283883). For these reasons, this variant has been classified as Pathogenic.

Literature cited by the submitters: PubMed 10441329; PubMed 16283883.

NM_000053.4(ATP7B):c.721C>T (p.Gln241Ter)

Gene: ATP7B (ATPase copper transporting beta; minus strand). Cytogenetic location: 13q14.3.
Variant type: single nucleotide variant.
Coding change: c.721C>T on transcript NM_000053.4 (MANE Select); coding-DNA position 721, C replaced by T.
Protein change: p.Gln241Ter; replaces glutamine 241 with a stop codon.
Molecular consequence: nonsense.
Genome position (GRCh38, 1-based): chr13:51,974,499, G>A on the plus strand (C>T on the coding strand, the complement: ATP7B is on the minus strand). VCF-style: chr13-51974499-G-A. GRCh37 (hg19) VCF-style: chr13-52548635-G-A.
Other names: c.721C>T, p.Gln241Ter (NM_001005918.3, NM_001243182.2, NM_001330578.2 and 1 more transcripts); short protein forms Q241*.
Identifiers: ClinVar variation 1371515 (VCV001371515.6), dbSNP rs2140091906, ClinGen allele CA388041776.